The following is an entry in ClinVar:

ClinVar aggregate classification (germline): Uncertain significance. Review status: criteria provided, multiple submitters, no conflicts (2 of 4 stars). 2 submissions from 2 submitters: Uncertain significance (2). Last evaluated 2025-12-30.

Allele frequency attached by ClinVar (database versions not stated): gnomAD 0.00001; gnomAD exomes 0.00001; ExAC 0.00005; 1000 Genomes Project 30x 0.00031.
gnomAD v4.1: 8 of 1,603,688 alleles (0.0005%); highest among the groups gnomAD compares: Admixed American, 0.01%; no homozygotes.

Submissions (2):

Labcorp Genetics (formerly Invitae), Labcorp
Classification: Uncertain significance. Last evaluated: 2025-12-30. Review status: criteria provided, single submitter. Criteria: Invitae Variant Classification Sherloc (09022015). Collection method: clinical testing. Allele origin: germline.
Comment: This sequence change replaces leucine, which is neutral and non-polar, with proline, which is neutral and non-polar, at codon 100 of the FBN3 protein (p.Leu100Pro). The frequency data for this variant in the population databases is considered unreliable, as metrics indicate poor data quality at this position in the gnomAD database. This variant has not been reported in the literature in individuals affected with FBN3-related conditions. ClinVar contains an entry for this variant (Variation ID: 1920650). An algorithm developed to predict the effect of missense changes on protein structure and function (PolyPhen-2) suggests that this variant is likely to be tolerated. In summary, the available evidence is currently insufficient to determine the role of this variant in disease. Therefore, it has been classified as a Variant of Uncertain Significance.

Ambry Genetics
Classification: Uncertain significance. Last evaluated: 2025-05-21. Review status: criteria provided, single submitter. Criteria: Ambry Variant Classification Scheme 2023. Collection method: clinical testing. Allele origin: germline.

NM_032447.5(FBN3):c.299T>C (p.Leu100Pro)

Gene: FBN3 (fibrillin 3; minus strand). Cytogenetic location: 19p13.2.
Variant type: single nucleotide variant.
Coding change: c.299T>C on transcript NM_032447.5 (MANE Select); coding-DNA position 299, T replaced by C.
Protein change: p.Leu100Pro; replaces leucine 100 with proline.
Molecular consequence: missense variant.
Genome position (GRCh38, 1-based): chr19:8,146,177, A>G on the plus strand (T>C on the coding strand, the complement: FBN3 is on the minus strand). VCF-style: chr19-8146177-A-G. GRCh37 (hg19) VCF-style: chr19-8211061-A-G.
Other names: c.299T>C, p.Leu100Pro (NM_001321431.2); c.299T>C (NM_032447.3); short protein forms L100P.
Identifiers: ClinVar variation 1920650 (VCV001920650.6), dbSNP rs780252780, ClinGen allele CA9153775.